The following is an entry in ClinVar:

NM_007254.4(PNKP):c.1298+6G>A

Gene: PNKP (polynucleotide kinase 3'-phosphatase; minus strand). Cytogenetic location: 19q13.33.
Variant type: single nucleotide variant.
Coding change: c.1298+6G>A on transcript NM_007254.4 (MANE Select); 6 bases into the intron after coding-DNA position 1298, G replaced by A.
Molecular consequence: intron variant.
Genome position (GRCh38, 1-based): chr19:49,861,766, C>T on the plus strand (G>A on the coding strand, the complement: PNKP is on the minus strand). VCF-style: chr19-49861766-C-T. GRCh37 (hg19) VCF-style: chr19-50365023-C-T.
Identifiers: ClinVar variation 138721 (VCV000138721.15), dbSNP rs578207030, ClinGen allele CA292803.

ClinVar aggregate classification (germline): Conflicting classifications of pathogenicity. Review status: criteria provided, conflicting classifications (1 of 4 stars). 6 submissions from 6 submitters: Uncertain significance (3); Benign (1); Likely benign (1). 1 of the submissions does not count toward it. Last evaluated 2024-10-28.

Conditions:
PNKP-related disorder. Also called: PNKP-related condition; PNKP-related disorders.
Microcephaly, seizures, and developmental delay. Identifiers: Orphanet 1934, MedGen C3150667, MONDO:0013254, OMIM 613402.
Ataxia - oculomotor apraxia type 4. Identifiers: Orphanet 459033, MedGen C4225397, MONDO:0014557, OMIM 616267.
Developmental and epileptic encephalopathy, 12 (DEE12). Identifiers: MedGen C3150988, MONDO:0013389, OMIM 613722.

Allele frequency attached by ClinVar (database versions not stated): TOPMed 0.00009; gnomAD exomes 0.00010; ExAC 0.00013; 1000 Genomes Project 30x 0.00031; 1000 Genomes Project 0.00040.
gnomAD v4.1: 63 of 1,565,992 alleles (0.004%); highest among the groups gnomAD compares: Admixed American, 0.062%; no homozygotes.

Submissions (6):

ARUP Laboratories, Molecular Genetics and Genomics, ARUP Laboratories
Classification: Uncertain significance. Last evaluated: 2024-10-28. Review status: criteria provided, single submitter. Criteria: ARUP Molecular Germline Variant Investigation Process 2024. Collection method: clinical testing. Allele origin: germline.

Blueprint Genetics
Classification: Likely benign. Last evaluated: 2024-02-06. Review status: criteria provided, single submitter. Criteria: ACMG Guidelines, 2015. Collection method: clinical testing. Allele origin: germline.

Labcorp Genetics (formerly Invitae), Labcorp
Classification: Uncertain significance for Developmental and epileptic encephalopathy, 12. Last evaluated: 2022-10-13. Review status: criteria provided, single submitter. Criteria: Invitae Variant Classification Sherloc (09022015). Collection method: clinical testing. Allele origin: germline.
Comment: This sequence change falls in intron 14 of the PNKP gene. It does not directly change the encoded amino acid sequence of the PNKP protein. It affects a nucleotide within the consensus splice site. This variant is present in population databases (rs578207030, gnomAD 0.06%). This variant has not been reported in the literature in individuals affected with PNKP-related conditions. ClinVar contains an entry for this variant (Variation ID: 138721). Variants that disrupt the consensus splice site are a relatively common cause of aberrant splicing (PMID: 17576681, 9536098). Algorithms developed to predict the effect of sequence changes on RNA splicing suggest that this variant is not likely to affect RNA splicing. In summary, the available evidence is currently insufficient to determine the role of this variant in disease. Therefore, it has been classified as a Variant of Uncertain Significance.

New York Genome Center
Classification: Uncertain significance for Ataxia - oculomotor apraxia type 4. Last evaluated: 2020-09-09. Review status: criteria provided, single submitter. Criteria: NYGC Assertion Criteria 2020. Collection method: clinical testing. Allele origin: inherited. Observed: 1 heterozygote. Study: CSER-NYCKidSeq.

GeneDx
Classification: Benign. Last evaluated: 2013-10-21. Review status: criteria provided, single submitter. Criteria: GeneDx Variant Classification (06012015). Collection method: clinical testing. Allele origin: germline. Affected: yes.
Comment: This variant is considered likely benign or benign based on one or more of the following criteria: it is a conservative change, it occurs at a poorly conserved position in the protein, it is predicted to be benign by multiple in silico algorithms, and/or has population frequency not consistent with disease.

PreventionGenetics, part of Exact Sciences
Classification: Likely benign for PNKP-related condition. Last evaluated: 2019-07-10. Review status: no assertion criteria provided. Collection method: clinical testing. Allele origin: germline. Not counted in ClinVar's aggregate classification.
Comment: This variant is classified as likely benign based on ACMG/AMP sequence variant interpretation guidelines (Richards et al. 2015 PMID: 25741868, with internal and published modifications).

Literature cited by the submitters: PubMed 17576681 (cited by Labcorp Genetics (formerly Invitae), Labcorp); PubMed 9536098 (cited by Labcorp Genetics (formerly Invitae), Labcorp).